The following is an entry in ClinVar:

ClinVar aggregate classification (germline): Uncertain significance (0 of 4 stars; one submission).

Conditions:
SLC2A1-related disorder. Also called: SLC2A1-related disorders; SLC2A1-related condition.

Allele frequency attached by ClinVar (database versions not stated): gnomAD exomes below 0.00001.
gnomAD v4.1: 5 of 1,614,108 alleles (0.00031%); highest among the groups gnomAD compares: Non-Finnish European, 0.00042%; no homozygotes.

Submission:

PreventionGenetics, part of Exact Sciences
Classification: Uncertain significance for SLC2A1-related condition. Last evaluated: 2023-11-06. Review status: no assertion criteria provided. Collection method: clinical testing. Allele origin: germline.
Comment: The SLC2A1 c.1123T>A variant is predicted to result in the amino acid substitution p.Phe375Ile. To our knowledge, this variant has not been reported in the literature or in a large population database, indicating this variant is rare. At this time, the clinical significance of this variant is uncertain due to the absence of conclusive functional and genetic evidence.

NM_006516.4(SLC2A1):c.1123T>A (p.Phe375Ile)

Gene: SLC2A1 (solute carrier family 2 member 1; minus strand). Cytogenetic location: 1p34.2.
Variant type: single nucleotide variant.
Coding change: c.1123T>A on transcript NM_006516.4 (MANE Select); coding-DNA position 1123, T replaced by A.
Protein change: p.Phe375Ile; replaces phenylalanine 375 with isoleucine.
Molecular consequence: missense variant.
Genome position (GRCh38, 1-based): chr1:42,927,760, A>T on the plus strand (T>A on the coding strand, the complement: SLC2A1 is on the minus strand). VCF-style: chr1-42927760-A-T. GRCh37 (hg19) VCF-style: chr1-43393431-A-T.
Other names: short protein forms F375I.
Identifiers: ClinVar variation 3061552 (VCV003061552.2), dbSNP rs2524984876, ClinGen allele CA339954174.